The following is an entry in ClinVar:

NM_001048174.2(MUTYH):c.439G>C (p.Ala147Pro)

Gene: MUTYH (mutY DNA glycosylase; minus strand). Cytogenetic location: 1p34.1.
Variant type: single nucleotide variant.
Coding change: c.439G>C on transcript NM_001048174.2 (MANE Select); coding-DNA position 439, G replaced by C.
Protein change: p.Ala147Pro; replaces alanine 147 with proline.
Molecular consequence: missense variant. On other transcripts: non-coding transcript variant (2).
Genome position (GRCh38, 1-based): chr1:45,332,816, C>G on the plus strand (G>C on the coding strand, the complement: MUTYH is on the minus strand). VCF-style: chr1-45332816-C-G. GRCh37 (hg19) VCF-style: chr1-45798488-C-G.
Other names: c.439G>C, p.Ala147Pro (NM_001048171.2, NM_001048173.2, NM_001293195.2); c.442G>C, p.Ala148Pro (NM_001048172.2); c.523G>C, p.Ala175Pro (NM_001128425.2); c.484G>C, p.Ala162Pro (NM_001293190.2); c.472G>C, p.Ala158Pro (NM_001293191.2); c.163G>C, p.Ala55Pro (NM_001293192.2, NM_001293196.2); c.94G>C, p.Ala32Pro (NM_001350650.2, NM_001350651.2); c.514G>C, p.Ala172Pro (NM_012222.3); short protein forms A175P, A158P, A162P, A148P, A147P, A172P, A32P, A55P.
Identifiers: ClinVar variation 464730 (VCV000464730.9), dbSNP rs770478980, ClinGen allele CA340135784.
Genomic context (GRCh38, chr1:45,332,816, plus strand): 5'-CCCTTACCTTCCGAGCTCCCTCCTGCAGCCGCCGGCCACGAGAATAGTAGCCCAGGCCAG[C>G]CCAGAGTTGATTCACCTCCTGTGGGTAGGATCAGAGGTCAAAGAGATCACCCGTCAGTCC-3'
Protein context (NP_001041639.1, residues 137-157): ASLEEVNQLW[Ala147Pro]GLGYYSRGRR

ClinVar aggregate classification (germline): Uncertain significance (1 of 4 stars; one submission).

Conditions:
Familial adenomatous polyposis 2. Also called: COLORECTAL ADENOMATOUS POLYPOSIS, AUTOSOMAL RECESSIVE; ADENOMAS, MULTIPLE COLORECTAL, AUTOSOMAL RECESSIVE; MUTYH-associated polyposis; FAP type 2; MUTYH-related attenuated familial adenomatous polyposis; Adenomas, multiple colorectal. Identifiers: Orphanet 220460, Orphanet 247798, MedGen C3272841, MONDO:0012041, OMIM 608456.

Submission:

Labcorp Genetics (formerly Invitae), Labcorp
Classification: Uncertain significance for Familial adenomatous polyposis 2. Last evaluated: 2018-10-04. Review status: criteria provided, single submitter. Criteria: Invitae Variant Classification Sherloc (09022015). Collection method: clinical testing. Allele origin: germline.
Comment: This sequence change replaces alanine with proline at codon 175 of the MUTYH protein (p.Ala175Pro). The alanine residue is moderately conserved and there is a small physicochemical difference between alanine and proline. This variant is not present in population databases (ExAC no frequency) and has not been reported in the literature in individuals with a MUTYH-related disease. Algorithms developed to predict the effect of missense changes on protein structure and function do not agree on the potential impact of this missense change (SIFT: "Deleterious"; PolyPhen-2: "Probably Damaging"; Align-GVGD: "Class C0"). In summary, this variant is a novel missense change with uncertain impact on protein function. It has been classified as a Variant of Uncertain Significance.